The following is an entry in ClinVar:

NM_033022.4(RPS24):c.320G>A (p.Arg107Gln)

Gene: RPS24 (ribosomal protein S24; plus strand). Cytogenetic location: 10q22.3.
Variant type: single nucleotide variant.
Coding change: c.320G>A on transcript NM_033022.4 (MANE Select); coding-DNA position 320, G replaced by A.
Protein change: p.Arg107Gln; replaces arginine 107 with glutamine.
Molecular consequence: missense variant.
Genome position (GRCh38, 1-based): chr10:78,037,234, G>A. VCF-style: chr10-78037234-G-A. GRCh37 (hg19) VCF-style: chr10-79796992-G-A.
Other names: c.320G>A, p.Arg107Gln (NM_001026.5, NM_001142282.2, NM_001142283.2 and 2 more transcripts); short protein forms R107Q.
Identifiers: ClinVar variation 2194653 (VCV002194653.4), dbSNP rs2493288095, ClinGen allele CA377329837.

ClinVar aggregate classification (germline): Uncertain significance (1 of 4 stars; one submission).

Conditions:
Diamond-Blackfan anemia. Also called: Blackfan Diamond syndrome; Aregenerative anemia chronic congenital; Red cell aplasia, pure hereditary; Congenital hypoplastic anemia; Aase syndrome. Identifiers: Orphanet 124, MedGen C1260899, MeSH D029503, MONDO:0015253, HP:0004810.

Allele frequency attached by ClinVar (database versions not stated): gnomAD exomes below 0.00001.
gnomAD v4.1: 4 of 1,608,060 alleles (0.00025%); highest among the groups gnomAD compares: Non-Finnish European, 0.00034%; no homozygotes.

Submission:

Labcorp Genetics (formerly Invitae), Labcorp
Classification: Uncertain significance for Diamond-Blackfan anemia. Last evaluated: 2022-09-10. Review status: criteria provided, single submitter. Criteria: Invitae Variant Classification Sherloc (09022015). Collection method: clinical testing. Allele origin: germline.
Comment: This sequence change replaces arginine, which is basic and polar, with glutamine, which is neutral and polar, at codon 107 of the RPS24 protein (p.Arg107Gln). This variant is not present in population databases (gnomAD no frequency). This variant has not been reported in the literature in individuals affected with RPS24-related conditions. Algorithms developed to predict the effect of missense changes on protein structure and function are either unavailable or do not agree on the potential impact of this missense change (SIFT: "Deleterious"; PolyPhen-2: "Benign"; Align-GVGD: "Class C35"). In summary, the available evidence is currently insufficient to determine the role of this variant in disease. Therefore, it has been classified as a Variant of Uncertain Significance.